The following is an entry in ClinVar:

NM_003579.4(RAD54L):c.639G>T (p.Lys213Asn)

Gene: RAD54L (RAD54 like; plus strand). Cytogenetic location: 1p34.1.
Variant type: single nucleotide variant.
Coding change: c.639G>T on transcript NM_003579.4 (MANE Select); coding-DNA position 639, G replaced by T.
Protein change: p.Lys213Asn; replaces lysine 213 with asparagine.
Molecular consequence: missense variant.
Genome position (GRCh38, 1-based): chr1:46,260,888, G>T. VCF-style: chr1-46260888-G-T. GRCh37 (hg19) VCF-style: chr1-46726560-G-T.
Other names: c.639G>T, p.Lys213Asn (NM_001142548.2); c.99G>T, p.Lys33Asn (NM_001370766.1); short protein forms K33N, K213N.
Identifiers: ClinVar variation 2465672 (VCV002465672.2), dbSNP rs920600309, ClinGen allele CA21906118.

ClinVar aggregate classification (germline): Uncertain significance (1 of 4 stars; one submission).

Allele frequency attached by ClinVar (database versions not stated): TOPMed 0.00001.

Submission:

Ambry Genetics
Classification: Uncertain significance. Last evaluated: 2023-03-05. Review status: criteria provided, single submitter. Criteria: Ambry Variant Classification Scheme 2023. Collection method: clinical testing. Allele origin: germline.
Comment: The p.K213N variant (also known as c.639G>T), located in coding exon 7 of the RAD54L gene, results from a G to T substitution at nucleotide position 639. The lysine at codon 213 is replaced by asparagine, an amino acid with similar properties. This amino acid position is conserved. In addition, the in silico prediction for this alteration is inconclusive. Since supporting evidence is limited at this time, the clinical significance of this alteration remains unclear.